The following is an entry in ClinVar:

ClinVar aggregate classification (germline): Uncertain significance. Review status: criteria provided, multiple submitters, no conflicts (2 of 4 stars). 4 submissions from 4 submitters: Uncertain significance (4). Last evaluated 2026-04-08.

Conditions:
Inborn genetic diseases. Identifiers: MedGen C0950123, MeSH D030342.
SLC24A1-related disorder. Also called: SLC24A1-related condition.

Allele frequency attached by ClinVar (database versions not stated): gnomAD exomes 0.00011 and 0.00031; ExAC 0.00015; TOPMed 0.00020; gnomAD 0.00021 and 0.00023; ESP Exome Variant Server 0.00049.
gnomAD v4.1: 511 of 1,613,342 alleles (0.032%); highest among the groups gnomAD compares: Non-Finnish European, 0.039%; no homozygotes.

Submissions (4):

PreventionGenetics, part of Exact Sciences
Classification: Uncertain significance for SLC24A1-related condition. Last evaluated: 2026-04-08. Review status: criteria provided, single submitter. Criteria: ACMG Guidelines, 2015. Collection method: clinical testing. Allele origin: germline.
Comment: The SLC24A1 c.664G>A variant is predicted to result in the amino acid substitution p.Asp222Asn. To our knowledge, this variant has not been reported in the literature. This variant is reported in 0.020% of alleles in individuals of European (Non-Finnish) descent in gnomAD. At this time, the clinical significance of this variant is uncertain due to the absence of conclusive functional and genetic evidence.

CeGaT Center for Human Genetics Tuebingen
Classification: Uncertain significance. Last evaluated: 2024-05-01. Review status: criteria provided, single submitter. Criteria: CeGaT Center For Human Genetics Tuebingen Variant Classification Criteria Version 2. Collection method: clinical testing. Allele origin: germline. Affected: yes. Observed: 1 variant allele.
Comment: SLC24A1: PM2, BP4

Labcorp Genetics (formerly Invitae), Labcorp
Classification: Uncertain significance. Last evaluated: 2022-08-31. Review status: criteria provided, single submitter. Criteria: Invitae Variant Classification Sherloc (09022015). Collection method: clinical testing. Allele origin: germline.
Comment: This sequence change replaces aspartic acid, which is acidic and polar, with asparagine, which is neutral and polar, at codon 222 of the SLC24A1 protein (p.Asp222Asn). This variant is present in population databases (rs201188098, gnomAD 0.02%). This variant has not been reported in the literature in individuals affected with SLC24A1-related conditions. ClinVar contains an entry for this variant (Variation ID: 934732). Algorithms developed to predict the effect of missense changes on protein structure and function are either unavailable or do not agree on the potential impact of this missense change (SIFT: "Deleterious"; PolyPhen-2: "Possibly Damaging"; Align-GVGD: "Class C0"). In summary, the available evidence is currently insufficient to determine the role of this variant in disease. Therefore, it has been classified as a Variant of Uncertain Significance.

Ambry Genetics
Classification: Uncertain significance for Inborn genetic diseases. Last evaluated: 2021-08-02. Review status: criteria provided, single submitter. Criteria: Ambry Variant Classification Scheme 2023. Collection method: clinical testing. Allele origin: germline.

NM_004727.3(SLC24A1):c.664G>A (p.Asp222Asn)

Gene: SLC24A1 (solute carrier family 24 member 1; plus strand). Cytogenetic location: 15q22.31.
Variant type: single nucleotide variant.
Coding change: c.664G>A on transcript NM_004727.3 (MANE Select); coding-DNA position 664, G replaced by A.
Protein change: p.Asp222Asn; replaces aspartic acid 222 with asparagine.
Molecular consequence: missense variant.
Genome position (GRCh38, 1-based): chr15:65,624,744, G>A. VCF-style: chr15-65624744-G-A. GRCh37 (hg19) VCF-style: chr15-65917082-G-A.
Other names: c.664G>A, p.Asp222Asn (NM_001301031.1, NM_001301032.1, NM_001301033.2); short protein forms D222N.
Identifiers: ClinVar variation 934732 (VCV000934732.25), dbSNP rs201188098, ClinGen allele CA7619783.